The following is an entry in ClinVar:

ClinVar aggregate classification (germline): Likely pathogenic (1 of 4 stars; one submission).

Allele frequency attached by ClinVar (database versions not stated): gnomAD exomes below 0.00001.
gnomAD v4.1: 3 of 1,612,906 alleles (0.00019%); highest among the groups gnomAD compares: Non-Finnish European, 0.00025%; no homozygotes.

Submission:

Labcorp Genetics (formerly Invitae), Labcorp
Classification: Likely pathogenic. Last evaluated: 2025-10-21. Review status: criteria provided, single submitter. Criteria: Invitae Variant Classification Sherloc (09022015). Collection method: clinical testing. Allele origin: germline.
Comment: This sequence change affects a donor splice site in intron 7 of the LIFR gene. It is expected to disrupt RNA splicing. Variants that disrupt the donor or acceptor splice site typically lead to a loss of protein function (PMID: 16199547), and loss-of-function variants in LIFR are known to be pathogenic (PMID: 14740318). This variant is not present in population databases (gnomAD no frequency). This variant has not been reported in the literature in individuals affected with LIFR-related conditions. ClinVar contains an entry for this variant (Variation ID: 1068147). Algorithms developed to predict the effect of sequence changes on RNA splicing suggest that this variant may disrupt the consensus splice site. In summary, the currently available evidence indicates that the variant is pathogenic, but additional data are needed to prove that conclusively. Therefore, this variant has been classified as Likely Pathogenic.

Literature cited by the submitters: PubMed 16199547; PubMed 14740318.

NM_001127671.2(LIFR):c.991+2T>C

Gene: LIFR (LIF receptor subunit alpha; minus strand). Cytogenetic location: 5p13.1.
Variant type: single nucleotide variant.
Coding change: c.991+2T>C on transcript NM_001127671.2 (MANE Select); the canonical splice donor site of the intron after coding-DNA position 991, T replaced by C.
Molecular consequence: splice donor variant.
Genome position (GRCh38, 1-based): chr5:38,510,462, A>G on the plus strand (T>C on the coding strand, the complement: LIFR is on the minus strand). VCF-style: chr5-38510462-A-G. GRCh37 (hg19) VCF-style: chr5-38510564-A-G.
Other names: c.991+2T>C (NM_002310.6, NM_001364298.2, NM_001364297.2).
Identifiers: ClinVar variation 1068147 (VCV001068147.7), dbSNP rs2112491551, ClinGen allele CA359546426.